The following is an entry in ClinVar:

NM_005199.5(CHRNG):c.794T>G (p.Leu265Arg)

Gene: CHRNG (cholinergic receptor nicotinic gamma subunit; plus strand). Cytogenetic location: 2q37.1.
Variant type: single nucleotide variant.
Coding change: c.794T>G on transcript NM_005199.5 (MANE Select); coding-DNA position 794, T replaced by G.
Protein change: p.Leu265Arg; replaces leucine 265 with arginine.
Molecular consequence: missense variant.
Genome position (GRCh38, 1-based): chr2:232,543,071, T>G. VCF-style: chr2-232543071-T-G. GRCh37 (hg19) VCF-style: chr2-233407781-T-G.
Other names: short protein forms L265R.
Identifiers: ClinVar variation 2506316 (VCV002506316.1), dbSNP rs2469751477, ClinGen allele CA351012421.

ClinVar aggregate classification (germline): Likely pathogenic (1 of 4 stars; one submission).

Conditions:
Lethal multiple pterygium syndrome (LMPS). Identifiers: Orphanet 33108, MedGen C1854678, MONDO:0009668, OMIM 253290.

Submission:

Women's Health and Genetics/Laboratory Corporation of America, LabCorp
Classification: Likely pathogenic for Lethal multiple pterygium syndrome. Last evaluated: 2023-05-01. Review status: criteria provided, single submitter. Criteria: LabCorp Variant Classification Summary - May 2015. Collection method: clinical testing. Allele origin: germline.
Comment: Variant summary: CHRNG c.794T>G (p.Leu265Arg) results in a non-conservative amino acid change located in the neurotransmitter-gated ion-channel transmembrane domain (IPR006029) of the encoded protein sequence. Five of five in-silico tools predict a damaging effect of the variant on protein function. The variant was absent in 251424 control chromosomes. c.794T>G has been reported in the literature in multiple compound heterozygous individuals affected with Escobar Syndrome (e.g., Al-Kaissi_2013, Al-Kaissi_2020). These data indicate that the variant is likely to be associated with disease. To our knowledge, no experimental evidence demonstrating an impact on protein function has been reported. The following publications have been ascertained in the context of this evaluation (PMID: 32536119, 24254455). No clinical diagnostic laboratories have submitted clinical-significance assessments for this variant to ClinVar after 2014. Based on the evidence outlined above, the variant was classified as likely pathogenic.

Literature cited by the submitters: PubMed 32536119; PubMed 24254455.